The following is an entry in ClinVar:

NM_005751.5(AKAP9):c.2013G>C (p.Gln671His)

Gene: AKAP9 (A-kinase anchoring protein 9; plus strand). Cytogenetic location: 7q21.2.
Variant type: single nucleotide variant.
Coding change: c.2013G>C on transcript NM_005751.5 (MANE Select); coding-DNA position 2013, G replaced by C.
Protein change: p.Gln671His; replaces glutamine 671 with histidine.
Molecular consequence: missense variant.
Genome position (GRCh38, 1-based): chr7:92,001,930, G>C. VCF-style: chr7-92001930-G-C. GRCh37 (hg19) VCF-style: chr7-91631244-G-C.
Other names: c.2013G>C, p.Gln671His (NM_147185.3); short protein forms Q671H.
Identifiers: ClinVar variation 1784443 (VCV001784443.2), dbSNP rs2484692033, ClinGen allele CA368123113.

ClinVar aggregate classification (germline): Uncertain significance (1 of 4 stars; one submission).

Conditions:
Cardiovascular phenotype. Identifiers: MedGen CN230736.

Submission:

Ambry Genetics
Classification: Uncertain significance for Cardiovascular phenotype. Last evaluated: 2021-12-23. Review status: criteria provided, single submitter. Criteria: Ambry Variant Classification Scheme 2023. Collection method: clinical testing. Allele origin: germline.
Comment: The p.Q671H variant (also known as c.2013G>C), located in coding exon 8 of the AKAP9 gene, results from a G to C substitution at nucleotide position 2013. The glutamine at codon 671 is replaced by histidine, an amino acid with highly similar properties. This amino acid position is conserved. In addition, this alteration is predicted to be tolerated by in silico analysis. Since supporting evidence is limited at this time, the clinical significance of this alteration remains unclear.